The following is an entry in ClinVar:

ClinVar aggregate classification (germline): Uncertain significance. Review status: criteria provided, multiple submitters, no conflicts (2 of 4 stars). 5 submissions from 5 submitters: Uncertain significance (5). Last evaluated 2026-01-22.

Conditions:
Familial melanoma. Also called: Hereditary melanoma; Hereditary cutaneous melanoma. Identifiers: Orphanet 618, MedGen C1512419, MONDO:0018961.
Hereditary cancer-predisposing syndrome. Also called: Hereditary neoplastic syndrome; Tumor predisposition; Hereditary Cancer Syndrome; Neoplastic Syndromes, Hereditary. Identifiers: Orphanet 140162, MedGen C0027672, MeSH D009386, MONDO:0015356.
Melanoma, cutaneous malignant, susceptibility to, 3. Also called: Cutaneous malignant melanoma 3. Identifiers: Orphanet 618, MedGen C1836892, MONDO:0012183, OMIM 609048.

gnomAD v4.1: 3 of 1,614,230 alleles (0.00019%); highest among the groups gnomAD compares: Non-Finnish European, 0.00025%; no homozygotes.

Submissions (5):

Labcorp Genetics (formerly Invitae), Labcorp
Classification: Uncertain significance for Familial melanoma. Last evaluated: 2026-01-22. Review status: criteria provided, single submitter. Criteria: Invitae Variant Classification Sherloc (09022015). Collection method: clinical testing. Allele origin: germline.
Comment: This sequence change replaces glutamine, which is neutral and polar, with histidine, which is basic and polar, at codon 168 of the CDK4 protein (p.Gln168His). This variant is not present in population databases (gnomAD no frequency). This variant has not been reported in the literature in individuals affected with CDK4-related conditions. ClinVar contains an entry for this variant (Variation ID: 408337). An algorithm developed to predict the effect of missense changes on protein structure and function (PolyPhen-2) suggests that this variant is likely to be tolerated. In summary, the available evidence is currently insufficient to determine the role of this variant in disease. Therefore, it has been classified as a Variant of Uncertain Significance.

Ambry Genetics
Classification: Uncertain significance for Hereditary cancer-predisposing syndrome. Last evaluated: 2025-12-15. Review status: criteria provided, single submitter. Criteria: Ambry Variant Classification Scheme 2023. Collection method: clinical testing. Allele origin: germline.

GeneDx
Classification: Uncertain significance. Last evaluated: 2025-05-23. Review status: criteria provided, single submitter. Criteria: GeneDx Variant Classification Process June 2021. Collection method: clinical testing. Allele origin: germline.
Comment: Not observed at significant frequency in large population cohorts (gnomAD); In silico analysis supports that this missense variant does not alter protein structure/function; Has not been previously published as pathogenic or benign to our knowledge

Quest Diagnostics Nichols Institute San Juan Capistrano
Classification: Uncertain significance. Last evaluated: 2024-07-12. Review status: criteria provided, single submitter. Criteria: Quest Diagnostics criteria. Collection method: clinical testing. Allele origin: unknown.
Comment: The CDK4 c.504G>C (p.Gln168His) variant has not been reported in individuals with CDK4-related conditions in the published literature. It also has not been reported in large, multi-ethnic general populations (Genome Aggregation Database). Analysis of this variant using bioinformatics tools for the prediction of the effect of amino acid changes on protein structure and function yielded conflicting predictions that this variant is deleterious or benign. Based on the available information, we are unable to determine the clinical significance of this variant.

Fulgent Genetics
Classification: Uncertain significance for Melanoma, cutaneous malignant, susceptibility to, 3. Last evaluated: 2021-11-29. Review status: criteria provided, single submitter. Criteria: ACMG Guidelines, 2015. Collection method: clinical testing. Allele origin: unknown.

NM_000075.4(CDK4):c.504G>C (p.Gln168His)

Gene: CDK4 (cyclin dependent kinase 4; minus strand). Cytogenetic location: 12q14.1.
Variant type: single nucleotide variant.
Coding change: c.504G>C on transcript NM_000075.4 (MANE Select); coding-DNA position 504, G replaced by C.
Protein change: p.Gln168His; replaces glutamine 168 with histidine.
Molecular consequence: missense variant.
Genome position (GRCh38, 1-based): chr12:57,750,941, C>G on the plus strand (G>C on the coding strand, the complement: CDK4 is on the minus strand). VCF-style: chr12-57750941-C-G. GRCh37 (hg19) VCF-style: chr12-58144724-C-G.
Other names: c.504G>C (NM_000075.2); short protein forms Q168H.
Identifiers: ClinVar variation 408337 (VCV000408337.17), dbSNP rs770086242, ClinGen allele CA16614064.